The following is an entry in ClinVar:

ClinVar aggregate classification (germline): Uncertain significance (1 of 4 stars; one submission).

Submission:

Labcorp Genetics (formerly Invitae), Labcorp
Classification: Uncertain significance. Last evaluated: 2023-05-19. Review status: criteria provided, single submitter. Criteria: Invitae Variant Classification Sherloc (09022015). Collection method: clinical testing. Allele origin: unknown.
Comment: In summary, the available evidence is currently insufficient to determine the role of this variant in disease. Therefore, it has been classified as a Variant of Uncertain Significance. Experimental studies and prediction algorithms are not available or were not evaluated, and the functional significance of this variant is currently unknown. This variant has not been reported in the literature in individuals affected with HELLS-related conditions. This variant results in a copy number gain of the genomic region encompassing exon(s) 1-19 of the HELLS gene. This region includes the initiator codon of the gene. This copy number gain extends beyond the assayed region for this gene and therefore may encompass additional genes. As the precise location of this event is unknown, it may be in tandem or it may be located elsewhere in the genome.

NC_000010.10:g.(?_95930917)_(96354631_?)dup

Genes: HELLS (helicase, lymphoid specific; plus strand), NOC3L (NOC3 like DNA replication regulator; minus strand), PLCE1 (phospholipase C epsilon 1; plus strand), TBC1D12 (TBC1 domain family member 12; plus strand). Cytogenetic location: 10q23.33.
Variant type: Duplication.
Identifiers: ClinVar variation 3244995 (VCV003244995.1).